The following is an entry in ClinVar:

NM_003545.4(H4C5):c.145G>A (p.Gly49Ser)

Genes: H4C5 (H4 clustered histone 5; plus strand), LOC129996027 (ATAC-STARR-seq lymphoblastoid active region 24208; plus strand). Cytogenetic location: 6p22.2.
Variant type: single nucleotide variant.
Coding change: c.145G>A on transcript NM_003545.4 (MANE Select); coding-DNA position 145, G replaced by A.
Protein change: p.Gly49Ser; replaces glycine 49 with serine.
Molecular consequence: missense variant.
Genome position (GRCh38, 1-based): chr6:26,204,789, G>A. VCF-style: chr6-26204789-G-A. GRCh37 (hg19) VCF-style: chr6-26205017-G-A.
Other names: short protein forms G49S.
Identifiers: ClinVar variation 5037526 (VCV005037526.1).

ClinVar aggregate classification (germline): Uncertain significance (1 of 4 stars; one submission).

Submission:

GeneDx
Classification: Uncertain significance. Last evaluated: 2026-04-21. Review status: criteria provided, single submitter. Criteria: GeneDx Variant Classification Process June 2021. Collection method: clinical testing. Allele origin: germline.
Comment: Not observed at significant frequency in large population cohorts (gnomAD); In silico analysis supports that this missense variant has a deleterious effect on protein structure/function; Has not been previously published as pathogenic or benign to our knowledge